The following is an entry in ClinVar:

NM_006767.4(LZTR1):c.2418G>C (p.Leu806Phe)

Gene: LZTR1 (leucine zipper like post translational regulator 1; plus strand). Cytogenetic location: 22q11.21.
Variant type: single nucleotide variant.
Coding change: c.2418G>C on transcript NM_006767.4 (MANE Select); coding-DNA position 2418, G replaced by C.
Protein change: p.Leu806Phe; replaces leucine 806 with phenylalanine.
Molecular consequence: missense variant.
Genome position (GRCh38, 1-based): chr22:20,997,243, G>C. VCF-style: chr22-20997243-G-C. GRCh37 (hg19) VCF-style: chr22-21351532-G-C.
Other names: short protein forms L806F.
Identifiers: ClinVar variation 1383229 (VCV001383229.6), dbSNP rs2147970913, ClinGen allele CA410781509.
Genomic context (GRCh38, chr22:20,997,243, plus strand): 5'-CCCTTAGGTGGATCTGGTCCCATCTCCTTCCGGCCTGCTTGCCTTACAGGTCTCCAAGTT[G>C]CCCACCCTGCGGTCGCTGAGCCAGCAGCTGCTGCTGGACATCATAGACTCCCTGGCCTCC-3'
Protein context (NP_006758.2, residues 796-816): IVHQFTKVSK[Leu806Phe]PTLRSLSQQL

ClinVar aggregate classification (germline): Uncertain significance (1 of 4 stars; one submission).

gnomAD v4.1: 1 of 1,612,730 alleles (0.000062%); highest among the groups gnomAD compares: Non-Finnish European, 0.000085%; no homozygotes.

Submission:

Labcorp Genetics (formerly Invitae), Labcorp
Classification: Uncertain significance. Last evaluated: 2021-10-05. Review status: criteria provided, single submitter. Criteria: Invitae Variant Classification Sherloc (09022015). Collection method: clinical testing. Allele origin: germline.
Comment: This variant is not present in population databases (ExAC no frequency). In summary, the available evidence is currently insufficient to determine the role of this variant in disease. Therefore, it has been classified as a Variant of Uncertain Significance. This variant disrupts the p.Leu806 amino acid residue in LZTR1. Other variant(s) that disrupt this residue have been determined to be pathogenic (Invitae). This suggests that this residue is clinically significant, and that variants that disrupt this residue are likely to be disease-causing. Algorithms developed to predict the effect of missense changes on protein structure and function are either unavailable or do not agree on the potential impact of this missense change (SIFT: "Deleterious"; PolyPhen-2: "Possibly Damaging"; Align-GVGD: "Class C15"). This variant has not been reported in the literature in individuals affected with LZTR1-related conditions. This sequence change replaces leucine with phenylalanine at codon 806 of the LZTR1 protein (p.Leu806Phe). The leucine residue is highly conserved and there is a small physicochemical difference between leucine and phenylalanine.